The following is an entry in ClinVar:

NM_021620.4(PRDM13):c.1283G>C (p.Gly428Ala)

Gene: PRDM13 (PR/SET domain 13; plus strand). Cytogenetic location: 6q16.2.
Variant type: single nucleotide variant.
Coding change: c.1283G>C on transcript NM_021620.4 (MANE Select); coding-DNA position 1283, G replaced by C.
Protein change: p.Gly428Ala; replaces glycine 428 with alanine.
Molecular consequence: missense variant.
Genome position (GRCh38, 1-based): chr6:99,613,918, G>C. VCF-style: chr6-99613918-G-C. GRCh37 (hg19) VCF-style: chr6-100061794-G-C.
Other names: c.1283G>C (NM_021620.3); short protein forms G428A.
Identifiers: ClinVar variation 1159149 (VCV001159149.12), dbSNP rs531708216, ClinGen allele CA3936344.

ClinVar aggregate classification (germline): Likely benign. Review status: criteria provided, multiple submitters, no conflicts (2 of 4 stars). 3 submissions from 3 submitters: Likely benign (2). 1 of the submissions does not count toward it. Last evaluated 2025-12-08.

Conditions:
PRDM13-related disorder. Also called: PRDM13-related condition.

Allele frequency attached by ClinVar (database versions not stated): gnomAD exomes 0.00007 and 0.00017; ExAC 0.00030; gnomAD 0.00072 and 0.00078; 1000 Genomes Project 0.00080; 1000 Genomes Project 30x 0.00125.

Submissions (3):

Labcorp Genetics (formerly Invitae), Labcorp
Classification: Likely benign. Last evaluated: 2025-12-08. Review status: criteria provided, single submitter. Criteria: Invitae Variant Classification Sherloc (09022015). Collection method: clinical testing. Allele origin: germline.

Blueprint Genetics
Classification: Likely benign. Last evaluated: 2024-10-28. Review status: criteria provided, single submitter. Criteria: ACMG Guidelines, 2015. Collection method: clinical testing. Allele origin: germline.

PreventionGenetics, part of Exact Sciences
Classification: Likely benign for PRDM13-related condition. Last evaluated: 2022-02-09. Review status: no assertion criteria provided. Collection method: clinical testing. Allele origin: germline. Not counted in ClinVar's aggregate classification.
Comment: This variant is classified as likely benign based on ACMG/AMP sequence variant interpretation guidelines (Richards et al. 2015 PMID: 25741868, with internal and published modifications).